The following is an entry in ClinVar:

ClinVar aggregate classification (germline): Likely pathogenic (1 of 4 stars; one submission).

Submission:

Labcorp Genetics (formerly Invitae), Labcorp
Classification: Likely pathogenic. Last evaluated: 2023-12-17. Review status: criteria provided, single submitter. Criteria: Invitae Variant Classification Sherloc (09022015). Collection method: clinical testing. Allele origin: unknown.
Comment: This variant results in a copy number gain of the genomic region encompassing exon(s) 2-5 of the COLGALT1 gene. While the exact position of this variant cannot be determined from the data, sub-genic copy number gains are generally in tandem (PMID: 25640679). This variant is predicted to be out-of-frame, and may result in an absent or disrupted protein product. Loss-of-function variants in COLGALT1 are known to be pathogenic (PMID: 30412317, 33709034). This variant has not been reported in the literature in individuals affected with COLGALT1-related conditions. In summary, the currently available evidence indicates that the variant is pathogenic, but additional data are needed to prove that conclusively. Therefore, this variant has been classified as Likely Pathogenic.

Literature cited by the submitters: PubMed 25640679; PubMed 30412317; PubMed 33709034.

NC_000019.9:g.(?_17670100)_(17679542_?)dup

Gene: COLGALT1 (collagen beta(1-O)galactosyltransferase 1; plus strand). Cytogenetic location: 19p13.11.
Variant type: Duplication.
Identifiers: ClinVar variation 3242710 (VCV003242710.1).